The following is an entry in ClinVar:

ClinVar aggregate classification (germline): Pathogenic (1 of 4 stars; one submission).

Submission:

ISCA site 4
Classification: Pathogenic. Last evaluated: 2011-08-12. Review status: criteria provided, single submitter. Criteria: Kaminsky et al. (Genet Med. 2011). Collection method: clinical testing. Allele origin: unknown. Affected: yes. Observed: 1 variant allele.
Comment: Copy number variation identified through the course of routine clinical cytogenomic testing in postnatal populations. Clinical assertions have been curated as described in Kaminsky et al. 2011.

GRCh38/hg38 3q29(chr3:196077857-197165715)x1

Genes: CEP19 (centrosomal protein 19; minus strand), DLG1 (discs large MAGUK scaffold protein 1; minus strand), DYNLT2B (dynein light chain Tctex-type 2B; minus strand), FBXO45 (F-box protein 45; plus strand), LINC00885 (long intergenic non-protein coding RNA 885; plus strand) and 86 more. Cytogenetic location: 3q29.
Variant type: copy number loss.
Change: copy number 1 (one copy instead of two) of chr3:196,077,857-197,165,715 (1.09 Mb, GRCh38 coordinates, 1-based), cytogenetic band 3q29.
Identifiers: ClinVar variation 57492 (VCV000057492.1).